The following is an entry in ClinVar:

NM_001182.5(ALDH7A1):c.619A>T (p.Ile207Phe)

Gene: ALDH7A1 (aldehyde dehydrogenase 7 family member A1; minus strand). Cytogenetic location: 5q23.2.
Variant type: single nucleotide variant.
Coding change: c.619A>T on transcript NM_001182.5 (MANE Select); coding-DNA position 619, A replaced by T.
Protein change: p.Ile207Phe; replaces isoleucine 207 with phenylalanine.
Molecular consequence: missense variant.
Genome position (GRCh38, 1-based): chr5:126,577,110, T>A on the plus strand (A>T on the coding strand, the complement: ALDH7A1 is on the minus strand). VCF-style: chr5-126577110-T-A. GRCh37 (hg19) VCF-style: chr5-125912802-T-A.
Other names: c.535A>T, p.Ile179Phe (NM_001201377.2); c.619A>T, p.Ile207Phe (NM_001202404.2); short protein forms I179F, I207F.
Identifiers: ClinVar variation 2709833 (VCV002709833.3), dbSNP rs777670051, ClinGen allele CA360731043.
Genomic context (GRCh38, chr5:126,577,110, plus strand): 5'-TACTAAATAGGAAAGTGAGCAGGTCTTACCAGAGGCAGACATTTCCACAGATCATGGCGA[T>A]GGCGTTGTTCCAACCATACACTGCCACAGGGAAATTGAATGCCGTGATGATTCCAACCAG-3'
Protein context (NP_001173.2, residues 197-217): PVAVYGWNNA[Ile207Phe]AMICGNVCLW

ClinVar aggregate classification (germline): Uncertain significance (1 of 4 stars; one submission).

Conditions:
Pyridoxine-dependent epilepsy (EPEO4). Also called: Pyridoxine-Dependent Seizures; PYRIDOXINE DEPENDENCY WITH SEIZURES; EPILEPSY, EARLY-ONSET, 4, VITAMIN B6-DEPENDENT; Pyridoxine-Dependent Epilepsy - ALDH7A1. Identifiers: Orphanet 3006, MedGen C1849508, MONDO:0009945, OMIM 266100. Disease mechanism: loss of function.

Submission:

Labcorp Genetics (formerly Invitae), Labcorp
Classification: Uncertain significance for Pyridoxine-dependent epilepsy. Last evaluated: 2024-04-30. Review status: criteria provided, single submitter. Criteria: Invitae Variant Classification Sherloc (09022015). Collection method: clinical testing. Allele origin: germline.
Comment: This sequence change replaces isoleucine, which is neutral and non-polar, with phenylalanine, which is neutral and non-polar, at codon 207 of the ALDH7A1 protein (p.Ile207Phe). This variant is not present in population databases (gnomAD no frequency). This variant has not been reported in the literature in individuals affected with ALDH7A1-related conditions. Advanced modeling of protein sequence and biophysical properties (such as structural, functional, and spatial information, amino acid conservation, physicochemical variation, residue mobility, and thermodynamic stability) has been performed at Invitae for this missense variant, however the output from this modeling did not meet the statistical confidence thresholds required to predict the impact of this variant on ALDH7A1 protein function. In summary, the available evidence is currently insufficient to determine the role of this variant in disease. Therefore, it has been classified as a Variant of Uncertain Significance.